The following is an entry in ClinVar:

ClinVar aggregate classification (germline): Uncertain significance (1 of 4 stars; one submission).

Conditions:
Drash syndrome (DDS). Also called: NEPHROPATHY, WILMS TUMOR, AND GENITAL ANOMALIES; WILMS TUMOR AND PSEUDO- OR TRUE HERMAPHRODITISM. Identifiers: Orphanet 220, MedGen C0950121, MONDO:0008682, OMIM 194080.
Wilms tumor 1 (WT1). Also called: Wilms tumor, somatic. Identifiers: Orphanet 654, MedGen CN033288, MONDO:0008679, OMIM 194070.
11p partial monosomy syndrome (WAGR). Also called: WAGR syndrome; WAGR Complex; CHROMOSOME 11p13 DELETION SYNDROME; WAGR Spectrum Disorder. Identifiers: Orphanet 893, MedGen C0206115, MONDO:0008681, OMIM 194072.
Frasier syndrome. Identifiers: Orphanet 347, MedGen C0950122, MeSH D052159, MONDO:0007635, OMIM 136680.

Submission:

Labcorp Genetics (formerly Invitae), Labcorp
Classification: Uncertain significance for Wilms tumor 1; Drash syndrome; 11p partial monosomy syndrome; Frasier syndrome. Last evaluated: 2021-08-27. Review status: criteria provided, single submitter. Criteria: Invitae Variant Classification Sherloc (09022015). Collection method: clinical testing. Allele origin: germline.
Comment: This sequence change replaces cysteine with serine at codon 393 of the WT1 protein (p.Cys393Ser). The cysteine residue is highly conserved and there is a moderate physicochemical difference between cysteine and serine. This variant is not present in population databases (ExAC no frequency). This variant has not been reported in the literature in individuals affected with WT1-related conditions. Algorithms developed to predict the effect of missense changes on protein structure and function (SIFT, PolyPhen-2, Align-GVGD) all suggest that this variant is likely to be disruptive. In summary, the available evidence is currently insufficient to determine the role of this variant in disease. Therefore, it has been classified as a Variant of Uncertain Significance.

NM_024426.6(WT1):c.1192T>A (p.Cys398Ser)

Gene: WT1 (WT1 transcription factor; minus strand). Cytogenetic location: 11p13.
Variant type: single nucleotide variant.
Coding change: c.1192T>A on transcript NM_024426.6 (MANE Select); coding-DNA position 1192, T replaced by A.
Protein change: p.Cys398Ser; replaces cysteine 398 with serine.
Molecular consequence: missense variant. On other transcripts: non-coding transcript variant (1).
Genome position (GRCh38, 1-based): chr11:32,396,329, A>T on the plus strand (T>A on the coding strand, the complement: WT1 is on the minus strand). VCF-style: chr11-32396329-A-T. GRCh37 (hg19) VCF-style: chr11-32417875-A-T.
Other names: c.541T>A, p.Cys181Ser (NM_001198551.2); c.490T>A, p.Cys164Ser (NM_001198552.2); c.4T>A, p.Cys2Ser (NM_001367854.1); c.1186T>A, p.Cys396Ser (NM_001407044.1); c.1141T>A, p.Cys381Ser (NM_001407045.1, NM_001407048.1, NM_001407049.1 and 1 more transcripts); c.1192T>A, p.Cys398Ser (NM_001407046.1, NM_024424.5); c.1069T>A, p.Cys357Ser (NM_001407047.1); c.1018T>A, p.Cys340Ser (NM_001407050.1); and 2 more; short protein forms C164S, C181S, C2S, C381S, C398S, C357S, C393S, C144S.
Identifiers: ClinVar variation 1413660 (VCV001413660.7), dbSNP rs2132940315, ClinGen allele CA379959928.